The following is an entry in ClinVar:

NM_001323289.2(CDKL5):c.1670C>G (p.Ser557Ter)

Gene: CDKL5 (cyclin dependent kinase like 5; plus strand). Cytogenetic location: Xp22.13.
Variant type: single nucleotide variant.
Coding change: c.1670C>G on transcript NM_001323289.2 (MANE Select); coding-DNA position 1670, C replaced by G.
Protein change: p.Ser557Ter; replaces serine 557 with a stop codon.
Molecular consequence: nonsense.
Genome position (GRCh38, 1-based): chrX:18,604,594, C>G. VCF-style: chrX-18604594-C-G. GRCh37 (hg19) VCF-style: chrX-18622714-C-G.
Other names: p.S557*:TCA>TGA; c.1670C>G, p.Ser557Ter (NM_001037343.2, NM_003159.3); short protein forms S557*.
Identifiers: ClinVar variation 156676 (VCV000156676.2), dbSNP rs587783145, ClinGen allele CA294732.
Genomic context (GRCh38, chrX:18,604,594, plus strand): 5'-ACACGAGAACTTTGCTCAGCCCTTCTGGAAGAAATAACCGAAATGAGGGAACGCTGGACT[C>G]ACGTCGAACCACAACCAGACATTCTAAGACGATGGAGGAATTGAAGCTGCCGGAGCACAT-3'

ClinVar aggregate classification (germline): Pathogenic (1 of 4 stars; one submission).

Submission:

GeneDx
Classification: Pathogenic. Last evaluated: 2013-02-21. Review status: criteria provided, single submitter. Criteria: GeneDx Variant Classification (06012015). Collection method: clinical testing. Allele origin: germline. Affected: yes.
Comment: The Ser557Stop nonsense mutation in the CDKL5 gene is predicted to cause loss of normal protein function either through protein truncation or nonsense-mediated mRNA decay. Although this mutation has not been reported previously to our knowledge, other nonsense mutations have been reported in the CDKL5 gene in association with epilepsy. The variant is found in EPILEPSY panel(s).